The following is an entry in ClinVar:

NM_001130987.2(DYSF):c.1061T>C (p.Leu354Pro)

Gene: DYSF (dysferlin; plus strand). Cytogenetic location: 2p13.2.
Variant type: single nucleotide variant.
Coding change: c.1061T>C on transcript NM_001130987.2 (MANE Select); coding-DNA position 1061, T replaced by C.
Protein change: p.Leu354Pro; replaces leucine 354 with proline.
Molecular consequence: missense variant.
Genome position (GRCh38, 1-based): chr2:71,520,816, T>C. VCF-style: chr2-71520816-T-C. GRCh37 (hg19) VCF-style: chr2-71747946-T-C.
Other names: NM_001130987.2(DYSF):c.1061T>C; p.Leu354Pro; c.968T>C, p.Leu323Pro (NM_001130455.2, NM_001130983.2, NM_001130984.2 and 1 more transcripts); c.965T>C, p.Leu322Pro (NM_001130976.2, NM_001130977.2, NM_001130978.2 and 1 more transcripts); c.1058T>C, p.Leu353Pro (NM_001130979.2, NM_001130980.2, NM_001130981.2); c.1061T>C, p.Leu354Pro (NM_001130982.2, NM_001130985.2); short protein forms L322P, L354P, L323P, L353P.
Identifiers: ClinVar variation 551237 (VCV000551237.22), dbSNP rs768546511, ClinGen allele CA1705600.

ClinVar aggregate classification (germline): Pathogenic. Review status: reviewed by expert panel (3 of 4 stars). 7 submissions from 7 submitters: Pathogenic (1). 6 of the submissions do not count toward it. Last evaluated 2025-11-17.

Conditions:
Miyoshi muscular dystrophy 1 (MMD1). Identifiers: Orphanet 45448, MedGen C4551973, MONDO:0024545, OMIM 254130.
Distal myopathy with anterior tibial onset. Identifiers: Orphanet 178400, MedGen C1847532, MONDO:0011721, OMIM 606768.
Autosomal recessive limb-girdle muscular dystrophy type 2B (LGMDR2). Also called: MUSCULAR DYSTROPHY, LIMB-GIRDLE, AUTOSOMAL RECESSIVE 2; MUSCULAR DYSTROPHY, LIMB-GIRDLE, TYPE 3; Limb-Girdle Muscular Dystrophy Type 2B (LGMD2B); Limb-girdle muscular dystrophy, type 2B. Identifiers: Orphanet 268, MedGen C1850889, MONDO:0009676, OMIM 253601.
Neuromuscular disease caused by qualitative or quantitative defects of dysferlin. Also called: Dysferlinopathy; Qualitative or quantitative defects of dysferlin. Identifiers: Orphanet 207073, MedGen C2931687, MONDO:0016145.
DYSF-related disorder. Also called: DYSF-related condition; DYSF-related disorders.
Autosomal recessive limb-girdle muscular dystrophy. Identifiers: Orphanet 102015, MedGen C2931907, MONDO:0015152.

Allele frequency attached by ClinVar (database versions not stated): ExAC 0.00001; gnomAD 0.00001; gnomAD exomes 0.00001 and 0.00002; TOPMed 0.00003.
gnomAD v4.1: 8 of 1,613,974 alleles (0.0005%); highest among the groups gnomAD compares: East Asian, 0.018%; no homozygotes.

Submissions (7):

ClinGen Limb Girdle Muscular Dystrophy Variant Curation Expert Panel, ClinGen
Classification: Pathogenic for Autosomal recessive limb-girdle muscular dystrophy. Last evaluated: 2025-11-17. Review status: reviewed by expert panel. Criteria: ClinGen LGMD VCEP ACMG Specifications DYSF V2.0.0. Collection method: curation. Allele origin: germline. Inheritance: Autosomal recessive inheritance.
Comment: The NM_003494.4: c.965T>C variant in DYSF, which is also known as NM_001130987.2: c.1061T>C p.(Leu354Pro), is a missense variant predicted to cause substitution of leucine to proline at amino acid 322, p.(Leu322Pro). This variant has been detected in at least 15 unrelated individuals with LGMD (PMID: 29138090, 25591676, 34559919, 27647186, 32576226, 32400077), including in unconfirmed phase with a pathogenic variant in at least 4 patients (NM_003494.3: c.3137G>A p.(Arg1046His), 0.5 pts, PMID: 32400077; c.5077C>T p.(Arg1693Trp), 0.5 pts, PMID: 32400077; c.1852G>A p.(Gly618Arg), 0.5 pts, PMID: 32400077; c.610C>T p.(Arg204Ter), 0.5 pts, PMID: 29138090) (PM3_Strong). At least one patient with this variant and a second presumed diagnostic DYSF variant had a clinical diagnosis of LGMD and absent dysferlin protein expression in skeletal muscle, which is highly specific for DYSF-associated LGMD (PMID: 25591676; PP4_Strong). The upper bound of the 95% confidence interval of the Grpmax variant allele frequency in gnomAD v4.1.0 is 0.0003216 (8/44884 East Asian chromosomes), which is greater than the LGMD VCEP threshold (0.0001), not meeting this criterion (PM2_Supporting not met). Immunofluorescence and 2-A assays of dysferlin membrane localization in HEK293T cells showed the Leu322Pro protein did not reach the cell membrane, indicating an impact on protein function (PMID: 35028538) (PS3_Moderate). The computational predictor REVEL gives a score of 0.94, which is above the VCEP threshold (PP3). In summary, this variant meets the criteria to be classified as Pathogenic for autosomal recessive limb girdle muscular dystrophy based on the ACMG/AMP criteria applied, as specified by the ClinGen LGMD VCEP (LGMD VCEP specifications version 2.0.0; 11/17/2025): PM3_Strong, PP4_Strong, PS3_Moderate, PP3.

3billion
Classification: Likely pathogenic for DYSF-related disorder. Last evaluated: 2025-09-22. Review status: criteria provided, single submitter. Criteria: ACMG Guidelines, 2015. Collection method: clinical testing. Allele origin: germline. Affected: yes. Not counted in ClinVar's aggregate classification.
Comment: The variant is observed at an extremely low frequency in the gnomAD v4.1.0 dataset (total allele frequency: <0.001%). Predicted Consequence/Location: Missense variant In silico tool predictions suggest damaging effect of the variant on gene or gene product [REVEL: 0.94 (>=0.6, sensitivity 0.68 and specificity 0.92); 3Cnet: 0.97 (> 0.75, sensitivity 0.96 and precision 0.92)]. The same nucleotide change resulting in the same amino acid change has been previously reported as pathogenic/likely pathogenic with strong evidence (ClinVar ID: VCV000551237 /PMID: 25591676). The variant has been reported to be in trans with a pathogenic variant as either compound heterozygous or homozygous in at least one similarly affected unrelated individual (PMID: 29138090). Therefore, this variant is classified as Likely pathogenic according to the recommendation of ACMG/AMP guideline.

Natera, Inc.
Classification: Pathogenic for Limb-girdle muscular dystrophy type 2B. Last evaluated: 2025-08-27. Review status: criteria provided, single submitter. Criteria: Natera Variant Classification Schema (03/2026). Collection method: clinical testing. Allele origin: germline. Not counted in ClinVar's aggregate classification.
Comment: The c.965T>C variant in DYSF is a missense variant predicted to cause substitution of leucine to proline at amino acid 322. This variant is rare in the general population with a frequency below the threshold expected for the associated phenotype(s). This variant has been observed in one or more individuals affected with the associated recessive disease, as either homozygous or compound heterozygous with a second variant (PMID: 28403181, 32576226). Computational prediction algorithms indicate this variant is likely to affect gene or protein function. Given the available evidence, this variant is classified as Pathogenic.

Labcorp Genetics (formerly Invitae), Labcorp
Classification: Pathogenic for Neuromuscular disease caused by qualitative or quantitative defects of dysferlin. Last evaluated: 2025-04-07. Review status: criteria provided, single submitter. Criteria: Invitae Variant Classification Sherloc (09022015). Collection method: clinical testing. Allele origin: germline. Not counted in ClinVar's aggregate classification.
Comment: This sequence change replaces leucine, which is neutral and non-polar, with proline, which is neutral and non-polar, at codon 322 of the DYSF protein (p.Leu322Pro). This variant is present in population databases (rs768546511, gnomAD 0.02%). This missense change has been observed in individual(s) with autosomal recessive limb-girdle muscular dystrophy (PMID: 25591676, 27647186, 29138090). This variant is also known as Leu353Pro and Leu323Pro. ClinVar contains an entry for this variant (Variation ID: 551237). Invitae Evidence Modeling of protein sequence and biophysical properties (such as structural, functional, and spatial information, amino acid conservation, physicochemical variation, residue mobility, and thermodynamic stability) has been performed for this missense variant. However, the output from this modeling did not meet the statistical confidence thresholds required to predict the impact of this variant on DYSF protein function. For these reasons, this variant has been classified as Pathogenic.

Baylor Genetics
Classification: Pathogenic for Miyoshi muscular dystrophy 1. Last evaluated: 2024-03-28. Review status: criteria provided, single submitter. Criteria: ACMG Guidelines, 2015. Collection method: clinical testing. Allele origin: unknown. Not counted in ClinVar's aggregate classification.

Juno Genomics, Hangzhou Juno Genomics, Inc
Classification: Pathogenic for Miyoshi muscular dystrophy 1; Autosomal recessive limb-girdle muscular dystrophy type 2B; Distal myopathy with anterior tibial onset. Review status: criteria provided, single submitter. Criteria: ACMG Guidelines, 2015. Collection method: clinical testing. Allele origin: germline. Not counted in ClinVar's aggregate classification.
Comment: Multiple lines of computational evidence support a deleterious effect on the gene or gene product.;For recessive disorders, detected in trans with a pathogenic variant.;Patient's phenotype or family history is highly specific for a disease with a single genetic etiology.

Counsyl
Classification: Likely pathogenic for Autosomal recessive limb-girdle muscular dystrophy type 2B. Last evaluated: 2017-04-04. Review status: no assertion criteria provided. Collection method: clinical testing. Allele origin: unknown. Not counted in ClinVar's aggregate classification.

Literature cited by the submitters: PubMed 25591676 (cited by 3 submitters); PubMed 29138090 (cited by 3billion and Labcorp Genetics (formerly Invitae), Labcorp); PubMed 28403181 (cited by Natera, Inc.); PubMed 32576226 (cited by Natera, Inc.); PubMed 27647186 (cited by Labcorp Genetics (formerly Invitae), Labcorp and Counsyl); PubMed 25312915 (cited by Counsyl).